The following is an entry in ClinVar:

NM_001853.4(COL9A3):c.160C>T (p.Pro54Ser)

Gene: COL9A3 (collagen type IX alpha 3 chain; plus strand). Cytogenetic location: 20q13.33.
Variant type: single nucleotide variant.
Coding change: c.160C>T on transcript NM_001853.4 (MANE Select); coding-DNA position 160, C replaced by T.
Protein change: p.Pro54Ser; replaces proline 54 with serine.
Molecular consequence: missense variant.
Genome position (GRCh38, 1-based): chr20:62,818,530, C>T. VCF-style: chr20-62818530-C-T. GRCh37 (hg19) VCF-style: chr20-61449882-C-T.
Other names: short protein forms P54S.
Identifiers: ClinVar variation 1377610 (VCV001377610.6), dbSNP rs1379482525, ClinGen allele CA409587435.

ClinVar aggregate classification (germline): Uncertain significance (1 of 4 stars; one submission).

Allele frequency attached by ClinVar (database versions not stated): gnomAD exomes below 0.00001 and 0.00001; gnomAD 0.00001.
gnomAD v4.1: 4 of 1,612,992 alleles (0.00025%); highest among the groups gnomAD compares: Admixed American, 0.0017%; no homozygotes.

Submission:

Labcorp Genetics (formerly Invitae), Labcorp
Classification: Uncertain significance. Last evaluated: 2025-01-23. Review status: criteria provided, single submitter. Criteria: Invitae Variant Classification Sherloc (09022015). Collection method: clinical testing. Allele origin: germline.
Comment: This sequence change replaces proline, which is neutral and non-polar, with serine, which is neutral and polar, at codon 54 of the COL9A3 protein (p.Pro54Ser). This variant is present in population databases (no rsID available, gnomAD 0.003%). This variant has not been reported in the literature in individuals affected with COL9A3-related conditions. ClinVar contains an entry for this variant (Variation ID: 1377610). Invitae Evidence Modeling of protein sequence and biophysical properties (such as structural, functional, and spatial information, amino acid conservation, physicochemical variation, residue mobility, and thermodynamic stability) indicates that this missense variant is not expected to disrupt COL9A3 protein function with a negative predictive value of 95%. In summary, the available evidence is currently insufficient to determine the role of this variant in disease. Therefore, it has been classified as a Variant of Uncertain Significance.